The following is an entry in ClinVar:

ClinVar aggregate classification (germline): Uncertain significance (1 of 4 stars; one submission).

Conditions:
Hypophosphatasia. Also called: Phosphoethanol-aminuria. Identifiers: Orphanet 436, MedGen C0020630, MeSH D007014, MONDO:0018570.

Submission:

Genomenon, Inc
Classification: Uncertain significance for Hypophosphatasia. Last evaluated: 2025-08-29. Review status: criteria provided, single submitter. Criteria: Genomenon Sequence Variant Interpretation Standards. Collection method: curation. Allele origin: germline. Affected: yes.
Comment: ALPL c.1013A>G is a missense variant that changes the amino acid at residue 338 from Histidine to Arginine. This variant has been observed in at least one proband affected with hypophosphatasia (PMID:31600233). It is absent or not present at a significant frequency in gnomAD. In silico models agree that this variant is possibly or probably damaging. In conclusion, we classify ALPL p.His338Arg (c.1013A>G) as a variant of unknown significance.

Literature cited by the submitters: PubMed 31600233.

NM_000478.6(ALPL):c.1013A>G (p.His338Arg)

Gene: ALPL (alkaline phosphatase, biomineralization associated; plus strand). Cytogenetic location: 1p36.12.
Variant type: single nucleotide variant.
Coding change: c.1013A>G on transcript NM_000478.6 (MANE Select); coding-DNA position 1013, A replaced by G.
Protein change: p.His338Arg; replaces histidine 338 with arginine.
Molecular consequence: missense variant.
Genome position (GRCh38, 1-based): chr1:21,575,748, A>G. VCF-style: chr1-21575748-A-G. GRCh37 (hg19) VCF-style: chr1-21902241-A-G.
Other names: c.848A>G, p.His283Arg (NM_001127501.4); c.782A>G, p.His261Arg (NM_001177520.3); c.1013A>G, p.His338Arg (NM_001369803.2, NM_001369804.2, NM_001369805.2); short protein forms H261R, H283R, H338R.
Identifiers: ClinVar variation 4086857 (VCV004086857.1).